The following is an entry in ClinVar:

NM_015175.3(NBEAL2):c.6651G>A (p.Pro2217=)

Gene: NBEAL2 (neurobeachin like 2; plus strand). Cytogenetic location: 3p21.31.
Variant type: single nucleotide variant.
Coding change: c.6651G>A on transcript NM_015175.3 (MANE Select); coding-DNA position 6651, G replaced by A.
Protein change: p.Pro2217=; no amino-acid change (proline 2217 retained).
Molecular consequence: synonymous variant.
Genome position (GRCh38, 1-based): chr3:47,005,579, G>A. VCF-style: chr3-47005579-G-A. GRCh37 (hg19) VCF-style: chr3-47047069-G-A.
Other names: c.6549G>A, p.Pro2183= (NM_001365116.2).
Identifiers: ClinVar variation 3036468 (VCV003036468.2), dbSNP rs201793727, ClinGen allele CA2361911.

ClinVar aggregate classification (germline): Likely benign (0 of 4 stars; one submission).

Conditions:
NBEAL2-related disorder. Also called: NBEAL2-related condition.

Allele frequency attached by ClinVar (database versions not stated): gnomAD exomes 0.00002; ExAC 0.00005; TOPMed 0.00014; 1000 Genomes Project 30x 0.00016; ESP Exome Variant Server 0.00016; gnomAD 0.00017; 1000 Genomes Project 0.00020.

Submission:

PreventionGenetics, part of Exact Sciences
Classification: Likely benign for NBEAL2-related condition. Last evaluated: 2021-09-03. Review status: no assertion criteria provided. Collection method: clinical testing. Allele origin: germline.
Comment: This variant is classified as likely benign based on ACMG/AMP sequence variant interpretation guidelines (Richards et al. 2015 PMID: 25741868, with internal and published modifications).